The following is an entry in ClinVar:

NM_014244.5(ADAMTS2):c.89_90insTGTCTCTTAT (p.Pro31fs)

Gene: ADAMTS2 (ADAM metallopeptidase with thrombospondin type 1 motif 2; minus strand). Cytogenetic location: 5q35.3.
Variant type: Insertion.
Coding change: c.89_90insTGTCTCTTAT on transcript NM_014244.5 (MANE Select); coding-DNA positions 89 to 90, TGTCTCTTAT inserted.
Protein change: p.Pro31fs; shifts the reading frame from proline 31.
Molecular consequence: frameshift variant.
Genome position: GRCh38 VCF-style: chr5-179345239-C-CATAAGAGACA. GRCh37 (hg19) VCF-style: chr5-178772240-C-CATAAGAGACA.
Other names: c.89_90insTGTCTCTTAT, p.Pro31fs (NM_021599.4); short protein forms P31fs.
Identifiers: ClinVar variation 5016383 (VCV005016383.1).

ClinVar aggregate classification (germline): Pathogenic (1 of 4 stars; one submission).

Conditions:
Ehlers-Danlos syndrome, dermatosparaxis type. Also called: EDS VIIC; Dermatosparaxis; Ehlers-Danlos syndrome, type VII, autosomal recessive. Identifiers: Orphanet 1901, MedGen C2700425, MONDO:0009161, OMIM 225410.

Submission:

Myriad Genetics, Inc.
Classification: Pathogenic for Ehlers-Danlos syndrome, dermatosparaxis type. Last evaluated: 2024-05-14. Review status: criteria provided, single submitter. Criteria: Myriad Autosomal Dominant, Autosomal Recessive and X-Linked Classification Criteria (2023). Collection method: clinical testing. Allele origin: unknown.
Comment: NM_014244.4(ADAMTS2):c.89_90ins10(P31Vfs*38) is expected to be pathogenic in the context of Ehlers-Danlos syndrome, ADAMTS2-related. This variant is predicted to lead to an abnormal or absent protein product due to the creation of a premature termination codon in ADAMTS2, a gene where loss-of-function variants are known to be pathogenic. Please note: this variant was assessed in the context of healthy population screening.